The following is an entry in ClinVar:

ClinVar aggregate classification (germline): Uncertain significance (1 of 4 stars; one submission).

Conditions:
Hereditary cancer-predisposing syndrome. Also called: Neoplastic Syndromes, Hereditary; Tumor predisposition; Hereditary neoplastic syndrome; Hereditary Cancer Syndrome. Identifiers: Orphanet 140162, MedGen C0027672, MeSH D009386, MONDO:0015356.

Submission:

Ambry Genetics
Classification: Uncertain significance for Hereditary cancer-predisposing syndrome. Last evaluated: 2018-07-09. Review status: criteria provided, single submitter. Criteria: Ambry Variant Classification Scheme 2023. Collection method: clinical testing. Allele origin: germline.
Comment: The p.K171E variant (also known as c.511A>G), located in coding exon 5 of the MRE11A gene, results from an A to G substitution at nucleotide position 511. The lysine at codon 171 is replaced by glutamic acid, an amino acid with similar properties. This amino acid position is highly conserved in available vertebrate species. In addition, this alteration is predicted to be deleterious by in silico analysis. Since supporting evidence is limited at this time, the clinical significance of this alteration remains unclear.

NM_005591.4(MRE11):c.511A>G (p.Lys171Glu)

Gene: MRE11 (MRE11 double strand break repair nuclease; minus strand). Cytogenetic location: 11q21.
Variant type: single nucleotide variant.
Coding change: c.511A>G on transcript NM_005591.4 (MANE Select); coding-DNA position 511, A replaced by G.
Protein change: p.Lys171Glu; replaces lysine 171 with glutamic acid.
Molecular consequence: missense variant.
Genome position (GRCh38, 1-based): chr11:94,478,768, T>C on the plus strand (A>G on the coding strand, the complement: MRE11 is on the minus strand). VCF-style: chr11-94478768-T-C. GRCh37 (hg19) VCF-style: chr11-94211934-T-C.
Other names: c.511A>G, p.Lys171Glu (NM_001330347.2, NM_005590.4); short protein forms K171E.
Identifiers: ClinVar variation 825462 (VCV000825462.4), dbSNP rs1591706943, ClinGen allele CA382377352.